The following is an entry in ClinVar:

ClinVar aggregate classification (germline): Pathogenic/Likely pathogenic. Review status: criteria provided, multiple submitters, no conflicts (2 of 4 stars). 3 submissions from 3 submitters: Pathogenic (1); Likely pathogenic (2). Last evaluated 2024-10-09.

Conditions:
Congenital myasthenic syndrome 5. Identifiers: Orphanet 590, MedGen C1864233, MONDO:0011281, OMIM 603034.

Allele frequency attached by ClinVar (database versions not stated): ExAC 0.00001; gnomAD 0.00001; gnomAD exomes 0.00001.
gnomAD v4.1: 12 of 1,613,310 alleles (0.00074%); highest among the groups gnomAD compares: South Asian, 0.0011%; no homozygotes.

Submissions (3):

Victorian Clinical Genetics Services, Murdoch Childrens Research Institute
Classification: Pathogenic for Congenital myasthenic syndrome 5. Last evaluated: 2024-10-09. Review status: criteria provided, single submitter. Criteria: ACMG Guidelines, 2015. Collection method: clinical testing. Allele origin: germline. Inheritance: Autosomal recessive inheritance. Affected: yes.
Comment: Based on the classification scheme VCGS_Germline_v1.3.5, this variant is classified as Pathogenic. Following criteria are met: 0102 - Loss of function is a known mechanism of disease in this gene and is associated with congenital myasthenic syndrome 5 (MIM#603034). (I) 0106 - This gene is associated with autosomal recessive disease. (I) 0211 - Canonical splice site variant without proven consequence on splicing (no functional evidence available). (SP) 0251 - This variant is heterozygous. (I) 0304 - Variant is present in gnomAD (v4) <0.01 for a recessive condition (12 heterozygotes, 0 homozygotes). (SP) 0505 - Abnormal splicing is predicted by in silico tools and affected nucleotide is highly conserved. (SP) 0705 - No comparable canonical splice variants have previous evidence for pathogenicity. (I) 0803 - This variant has limited previous evidence of pathogenicity in unrelated individuals. This variant has been reported twice as likely pathogenic in ClinVar. (SP) 0905 - No published segregation evidence has been identified for this variant. (I) 1007 - No published functional evidence has been identified for this variant. (I) 1201 - Heterozygous variant detected in trans with a second pathogenic heterozygous variant (NM_005677.3(COLQ):c.393+1G>A) in a recessive disease. (I) Legend: (SP) - Supporting pathogenic, (I) - Information, (SB) - Supporting benign

Baylor Genetics
Classification: Likely pathogenic for Congenital myasthenic syndrome 5. Last evaluated: 2023-05-22. Review status: criteria provided, single submitter. Criteria: ACMG Guidelines, 2015. Collection method: clinical testing. Allele origin: unknown.

Labcorp Genetics (formerly Invitae), Labcorp
Classification: Likely pathogenic for Congenital myasthenic syndrome 5. Last evaluated: 2023-01-13. Review status: criteria provided, single submitter. Criteria: Invitae Variant Classification Sherloc (09022015). Collection method: clinical testing. Allele origin: germline.
Comment: In summary, the currently available evidence indicates that the variant is pathogenic, but additional data are needed to prove that conclusively. Therefore, this variant has been classified as Likely Pathogenic. Algorithms developed to predict the effect of sequence changes on RNA splicing suggest that this variant may disrupt the consensus splice site. ClinVar contains an entry for this variant (Variation ID: 632407). This variant has not been reported in the literature in individuals affected with COLQ-related conditions. This variant is present in population databases (rs757060689, gnomAD 0.002%). This sequence change affects a donor splice site in intron 13 of the COLQ gene. It is expected to disrupt RNA splicing. Variants that disrupt the donor or acceptor splice site typically lead to a loss of protein function (PMID: 16199547), and loss-of-function variants in COLQ are known to be pathogenic (PMID: 22678886).

Literature cited by the submitters: PubMed 16199547 (cited by Labcorp Genetics (formerly Invitae), Labcorp); PubMed 22678886 (cited by Labcorp Genetics (formerly Invitae), Labcorp).

NM_005677.4(COLQ):c.954+1G>A

Gene: COLQ (collagen like tail subunit of asymmetric acetylcholinesterase; minus strand). Cytogenetic location: 3p25.1.
Variant type: single nucleotide variant.
Coding change: c.954+1G>A on transcript NM_005677.4 (MANE Select); the canonical splice donor site of the intron after coding-DNA position 954, G replaced by A.
Molecular consequence: splice donor variant.
Genome position (GRCh38, 1-based): chr3:15,458,185, C>T on the plus strand (G>A on the coding strand, the complement: COLQ is on the minus strand). VCF-style: chr3-15458185-C-T. GRCh37 (hg19) VCF-style: chr3-15499692-C-T.
Other names: c.852+1G>A (NM_080539.4); c.924+1G>A (NM_080538.2).
Identifiers: ClinVar variation 632407 (VCV000632407.9), dbSNP rs757060689, ClinGen allele CA2275920.
Genomic context (GRCh38, chr3:15,458,185, plus strand): 5'-TAAGGATCAGGTGAGAGGTCCTCACGGATAACCACCCCAGACTTCTCCCAGAAAGCCTTA[C>T]CACAGGAACTCGCGGGGAACTGGGCCCATACACAGATTCCCCGTAGGAAGGGTTATTCAC-3'